The following is an entry in ClinVar:

ClinVar aggregate classification (germline): Uncertain significance (1 of 4 stars; one submission).

Allele frequency attached by ClinVar (database versions not stated): gnomAD exomes below 0.00001.
gnomAD v4.1: 2 of 1,614,236 alleles (0.00012%); highest among the groups gnomAD compares: Non-Finnish European, 0.00017%; no homozygotes.

Submission:

Labcorp Genetics (formerly Invitae), Labcorp
Classification: Uncertain significance. Last evaluated: 2022-03-21. Review status: criteria provided, single submitter. Criteria: Invitae Variant Classification Sherloc (09022015). Collection method: clinical testing. Allele origin: germline.
Comment: This variant has not been reported in the literature in individuals affected with C8A-related conditions. This sequence change replaces methionine, which is neutral and non-polar, with threonine, which is neutral and polar, at codon 492 of the C8A protein (p.Met492Thr). This variant is not present in population databases (gnomAD no frequency). Algorithms developed to predict the effect of missense changes on protein structure and function (SIFT, PolyPhen-2, Align-GVGD) all suggest that this variant is likely to be tolerated. In summary, the available evidence is currently insufficient to determine the role of this variant in disease. Therefore, it has been classified as a Variant of Uncertain Significance.

NM_000562.3(C8A):c.1475T>C (p.Met492Thr)

Gene: C8A (complement C8 alpha chain; plus strand). Cytogenetic location: 1p32.2.
Variant type: single nucleotide variant.
Coding change: c.1475T>C on transcript NM_000562.3 (MANE Select); coding-DNA position 1475, T replaced by C.
Protein change: p.Met492Thr; replaces methionine 492 with threonine.
Molecular consequence: missense variant.
Genome position (GRCh38, 1-based): chr1:56,912,497, T>C. VCF-style: chr1-56912497-T-C. GRCh37 (hg19) VCF-style: chr1-57378170-T-C.
Other names: short protein forms M492T.
Identifiers: ClinVar variation 2115665 (VCV002115665.4), dbSNP rs2522619224, ClinGen allele CA340516398.